The following is an entry in ClinVar:

ClinVar aggregate classification (germline): Uncertain significance (1 of 4 stars; one submission).

Allele frequency attached by ClinVar (database versions not stated): ExAC 0.00001; gnomAD exomes 0.00001; gnomAD 0.00002; TOPMed 0.00002.
gnomAD v4.1: 84 of 1,614,060 alleles (0.0052%); highest among the groups gnomAD compares: Non-Finnish European, 0.0067%; no homozygotes.

Submission:

Labcorp Genetics (formerly Invitae), Labcorp
Classification: Uncertain significance. Last evaluated: 2022-06-13. Review status: criteria provided, single submitter. Criteria: Invitae Variant Classification Sherloc (09022015). Collection method: clinical testing. Allele origin: germline.
Comment: This sequence change replaces alanine, which is neutral and non-polar, with threonine, which is neutral and polar, at codon 104 of the APTX protein (p.Ala104Thr). This variant is present in population databases (rs766255481, gnomAD 0.002%). This variant has not been reported in the literature in individuals affected with APTX-related conditions. Algorithms developed to predict the effect of missense changes on protein structure and function output the following: SIFT: "Tolerated"; PolyPhen-2: "Benign"; Align-GVGD: "Class C0". The threonine amino acid residue is found in multiple mammalian species, which suggests that this missense change does not adversely affect protein function. In summary, the available evidence is currently insufficient to determine the role of this variant in disease. Therefore, it has been classified as a Variant of Uncertain Significance.

NM_001195248.2(APTX):c.310G>A (p.Ala104Thr)

Gene: APTX (aprataxin; minus strand). Cytogenetic location: 9p21.1.
Variant type: single nucleotide variant.
Coding change: c.310G>A on transcript NM_001195248.2 (MANE Select); coding-DNA position 310, G replaced by A.
Protein change: p.Ala104Thr; replaces alanine 104 with threonine.
Molecular consequence: missense variant. On other transcripts: non-coding transcript variant (13), intron variant (1).
Genome position (GRCh38, 1-based): chr9:32,987,717, C>T on the plus strand (G>A on the coding strand, the complement: APTX is on the minus strand). VCF-style: chr9-32987717-C-T. GRCh37 (hg19) VCF-style: chr9-32987715-C-T.
Other names: c.310G>A, p.Ala104Thr (NM_001195249.2, NM_001195251.2, NM_001368995.1 and 6 more transcripts); c.148G>A, p.Ala50Thr (NM_001195250.2, NM_001195254.2, NM_001369000.1 and 1 more transcripts); c.46G>A, p.Ala16Thr (NM_001369002.1, NM_001369003.1, NM_001369004.1 and 5 more transcripts); c.267+43G>A (NM_001195252.2); short protein forms A16T, A50T, A104T.
Identifiers: ClinVar variation 1364303 (VCV001364303.8), dbSNP rs766255481, ClinGen allele CA5022541.
Genomic context (GRCh38, chr9:32,987,717, plus strand): 5'-TAGAATCACTGTTGCCTGATCTCTTTCTCTTCCTGTGTGTTTCCAGGCCAGGGTTCTTTG[C>T]CTCTTCCTCAAACTCTACAATATATGGATAAAGTTCATTCACCATGTGGAGAACCTGGCC-3'
Protein context (NP_001182177.2, residues 94-114): YPYIVEFEEE[Ala104Thr]KNPGLETHRK